The following is an entry in ClinVar:

NM_001040108.2(MLH3):c.4359A>G (p.Pro1453=)

Gene: MLH3 (mutL homolog 3; minus strand). Cytogenetic location: 14q24.3.
Variant type: single nucleotide variant.
Coding change: c.4359A>G on transcript NM_001040108.2 (MANE Select); coding-DNA position 4359, A replaced by G.
Protein change: p.Pro1453=; no amino-acid change (proline 1453 retained).
Molecular consequence: synonymous variant.
Genome position (GRCh38, 1-based): chr14:75,017,085, T>C on the plus strand (A>G on the coding strand, the complement: MLH3 is on the minus strand). VCF-style: chr14-75017085-T-C. GRCh37 (hg19) VCF-style: chr14-75483788-T-C.
Other names: c.4287A>G, p.Pro1429= (NM_014381.3).
Identifiers: ClinVar variation 3232575 (VCV003232575.2), dbSNP rs954282664, ClinGen allele CA263629448.
Genomic context (GRCh38, chr14:75,017,085, plus strand): 5'-TGCTCAGAGGCATACAGTGAACATCCCTTTGTTCCTTTTAGACCAGTGATTCTGTTCTCA[T>C]GGTGGCTCACAGGGAGGCATGGATTGCTGCAGGCTCTGCCTTGTATCACACTCTGCTTTT-3'
Protein context (NP_001035197.1, residues 1443-1453): LQQSMPPCEP[Pro1453=]

ClinVar aggregate classification (germline): Benign/Likely benign. Review status: criteria provided, multiple submitters, no conflicts (2 of 4 stars). 2 submissions from 2 submitters: Benign (1); Likely benign (1). Last evaluated 2026-09-14.

Conditions:
Colorectal cancer, hereditary nonpolyposis, type 7. Identifiers: Orphanet 144, MedGen C1858380, MONDO:0013725, OMIM 614385.

Allele frequency attached by ClinVar (database versions not stated): TOPMed below 0.00001.

Submissions (2):

Myriad Genetics, Inc.
Classification: Benign for Colorectal cancer, hereditary nonpolyposis, type 7. Last evaluated: 2026-09-14. Review status: criteria provided, single submitter. Criteria: Myriad Autosomal Dominant, Autosomal Recessive and X-Linked Classification Criteria (2023). Collection method: clinical testing. Allele origin: unknown.
Comment: This variant is considered benign. This variant is a silent/synonymous amino acid change and it is not expected to impact splicing.

Ambry Genetics
Classification: Likely benign. Last evaluated: 2024-02-26. Review status: criteria provided, single submitter. Criteria: Ambry Variant Classification Scheme 2023. Collection method: clinical testing. Allele origin: germline.